The following is an entry in ClinVar:

ClinVar aggregate classification (germline): Uncertain significance (1 of 4 stars; one submission).

gnomAD v4.1: 4 of 1,614,008 alleles (0.00025%); highest among the groups gnomAD compares: East Asian, 0.0067%; no homozygotes.

Submission:

GeneDx
Classification: Uncertain significance. Last evaluated: 2025-02-13. Review status: criteria provided, single submitter. Criteria: GeneDx Variant Classification Process June 2021. Collection method: clinical testing. Allele origin: germline. Affected: yes.
Comment: In silico analysis supports that this missense variant has a deleterious effect on protein structure/function; Has not been previously published as pathogenic or benign to our knowledge

NM_173076.3(ABCA12):c.4025T>C (p.Leu1342Pro)

Gene: ABCA12 (ATP binding cassette subfamily A member 12; minus strand). Cytogenetic location: 2q35.
Variant type: single nucleotide variant.
Coding change: c.4025T>C on transcript NM_173076.3 (MANE Select); coding-DNA position 4025, T replaced by C.
Protein change: p.Leu1342Pro; replaces leucine 1342 with proline.
Molecular consequence: missense variant. On other transcripts: non-coding transcript variant (1).
Genome position (GRCh38, 1-based): chr2:214,986,680, A>G on the plus strand (T>C on the coding strand, the complement: ABCA12 is on the minus strand). VCF-style: chr2-214986680-A-G. GRCh37 (hg19) VCF-style: chr2-215851404-A-G.
Other names: c.3071T>C, p.Leu1024Pro (NM_015657.4); short protein forms L1024P, L1342P.
Identifiers: ClinVar variation 4075698 (VCV004075698.1).